The following is an entry in ClinVar:

NM_000548.5(TSC2):c.1757T>A (p.Val586Glu)

Gene: TSC2 (TSC complex subunit 2; plus strand). Cytogenetic location: 16p13.3.
Variant type: single nucleotide variant.
Coding change: c.1757T>A on transcript NM_000548.5 (MANE Select); coding-DNA position 1757, T replaced by A.
Protein change: p.Val586Glu; replaces valine 586 with glutamic acid.
Molecular consequence: missense variant.
Genome position (GRCh38, 1-based): chr16:2,070,496, T>A. VCF-style: chr16-2070496-T-A. GRCh37 (hg19) VCF-style: chr16-2120497-T-A.
Other names: c.1757T>A, p.Val586Glu (NM_001077183.3, NM_001114382.3, NM_001363528.2 and 3 more transcripts); c.1646T>A, p.Val549Glu (NM_001318827.2); c.1610T>A, p.Val537Glu (NM_001318829.2); c.1157T>A, p.Val386Glu (NM_001318831.2); c.1790T>A, p.Val597Glu (NM_001318832.2); short protein forms V386E, V537E, V549E, V586E, V597E.
Identifiers: ClinVar variation 1687477 (VCV001687477.1), dbSNP rs2088127954, ClinGen allele CA394272827.

ClinVar aggregate classification (germline): Uncertain significance (1 of 4 stars; one submission).

Conditions:
Tuberous sclerosis 2 (TSC2). Identifiers: Orphanet 805, MedGen C1860707, MONDO:0013199, OMIM 613254.

Submission:

3billion
Classification: Uncertain significance for Tuberous sclerosis 2. Last evaluated: 2022-05-22. Review status: criteria provided, single submitter. Criteria: ACMG Guidelines, 2015. Collection method: clinical testing. Allele origin: germline. Affected: yes. Observed: 1 heterozygote.
Comment: The variant is not observed in the gnomAD v2.1.1 dataset. Protein truncation variants are a common disease-causing mechanism. In silico tool predictions suggest damaging effect of the variant on gene or gene product (REVEL: 0.84; 3Cnet: 0.87). Therefore, this variant is classified as uncertain significanceaccording to the recommendation of ACMG/AMP guideline.